The following is an entry in ClinVar:

NM_015040.4(PIKFYVE):c.747T>C (p.Ser249=)

Gene: PIKFYVE (phosphoinositide kinase, FYVE-type zinc finger containing; plus strand). Cytogenetic location: 2q34.
Variant type: single nucleotide variant.
Coding change: c.747T>C on transcript NM_015040.4 (MANE Select); coding-DNA position 747, T replaced by C.
Protein change: p.Ser249=; no amino-acid change (serine 249 retained).
Molecular consequence: synonymous variant.
Genome position (GRCh38, 1-based): chr2:208,285,859, T>C. VCF-style: chr2-208285859-T-C. GRCh37 (hg19) VCF-style: chr2-209150583-T-C.
Other names: c.747T>C, p.Ser249= (NM_001178000.2); c.456T>C, p.Ser152= (NM_152671.4).
Identifiers: ClinVar variation 2651851 (VCV002651851.24), dbSNP rs1691503352, ClinGen allele CA430973728.

ClinVar aggregate classification (germline): Likely benign (1 of 4 stars; one submission).

Allele frequency attached by ClinVar (database versions not stated): TOPMed below 0.00001.

Submission:

CeGaT Center for Human Genetics Tuebingen
Classification: Likely benign. Last evaluated: 2022-12-01. Review status: criteria provided, single submitter. Criteria: CeGaT Center For Human Genetics Tuebingen Variant Classification Criteria Version 2. Collection method: clinical testing. Allele origin: germline. Affected: yes. Observed: 1 variant allele.
Comment: PIKFYVE: PM2:Supporting, BP4, BP7